The following is an entry in ClinVar:

NM_000426.4(LAMA2):c.4059-20T>C

Gene: LAMA2 (laminin subunit alpha 2; plus strand). Cytogenetic location: 6q22.33.
Variant type: single nucleotide variant.
Coding change: c.4059-20T>C on transcript NM_000426.4 (MANE Select); 20 bases into the intron before coding-DNA position 4059, T replaced by C.
Molecular consequence: intron variant.
Genome position (GRCh38, 1-based): chr6:129,320,518, T>C. VCF-style: chr6-129320518-T-C. GRCh37 (hg19) VCF-style: chr6-129641663-T-C.
Other names: c.4059-20T>C (NM_001079823.2).
Identifiers: ClinVar variation 515604 (VCV000515604.7), dbSNP rs764866830, ClinGen allele CA3993436.

ClinVar aggregate classification (germline): Likely benign. Review status: criteria provided, multiple submitters, no conflicts (2 of 4 stars). 3 submissions from 3 submitters: Likely benign (3). Last evaluated 2024-12-18.

Conditions:
LAMA2-related muscular dystrophy (LAMA2-RD). Also called: Laminin alpha 2-related dystrophy. Identifiers: MedGen C5679788, MONDO:0100228.

Allele frequency attached by ClinVar (database versions not stated): gnomAD exomes 0.00003 and 0.00007; TOPMed 0.00004; gnomAD 0.00005 and 0.00006; ExAC 0.00003.
gnomAD v4.1: 97 of 1,355,642 alleles (0.0072%); highest among the groups gnomAD compares: Non-Finnish European, 0.0097%; no homozygotes.

Submissions (3):

Labcorp Genetics (formerly Invitae), Labcorp
Classification: Likely benign for LAMA2-related muscular dystrophy. Last evaluated: 2024-12-18. Review status: criteria provided, single submitter. Criteria: Invitae Variant Classification Sherloc (09022015). Collection method: clinical testing. Allele origin: germline.

Blueprint Genetics
Classification: Likely benign. Last evaluated: 2024-10-18. Review status: criteria provided, single submitter. Criteria: ACMG Guidelines, 2015. Collection method: clinical testing. Allele origin: germline.

GeneDx
Classification: Likely benign. Last evaluated: 2018-02-21. Review status: criteria provided, single submitter. Criteria: GeneDx Variant Classification (06012015). Collection method: clinical testing. Allele origin: germline. Affected: yes.
Comment: This variant is considered likely benign or benign based on one or more of the following criteria: it is a conservative change, it occurs at a poorly conserved position in the protein, it is predicted to be benign by multiple in silico algorithms, and/or has population frequency not consistent with disease.